The following is an entry in ClinVar:

ClinVar aggregate classification (germline): Uncertain significance. Review status: criteria provided, multiple submitters, no conflicts (2 of 4 stars). 2 submissions from 2 submitters: Uncertain significance (2). Last evaluated 2025-08-29.

Conditions:
Inborn genetic diseases. Identifiers: MedGen C0950123, MeSH D030342.
Developmental and epileptic encephalopathy, 12 (DEE12). Identifiers: MedGen C3150988, MONDO:0013389, OMIM 613722.

Allele frequency attached by ClinVar (database versions not stated): TOPMed below 0.00001.

Submissions (2):

Ambry Genetics
Classification: Uncertain significance for Inborn genetic diseases. Last evaluated: 2025-08-29. Review status: criteria provided, single submitter. Criteria: Ambry Variant Classification Scheme 2023. Collection method: clinical testing. Allele origin: germline.

Labcorp Genetics (formerly Invitae), Labcorp
Classification: Uncertain significance for Developmental and epileptic encephalopathy, 12. Last evaluated: 2021-08-05. Review status: criteria provided, single submitter. Criteria: Invitae Variant Classification Sherloc (09022015). Collection method: clinical testing. Allele origin: germline.
Comment: This sequence change replaces glutamic acid with glycine at codon 500 of the PNKP protein (p.Glu500Gly). The glutamic acid residue is weakly conserved and there is a moderate physicochemical difference between glutamic acid and glycine. This variant is not present in population databases (ExAC no frequency). This variant has not been reported in the literature in individuals affected with PNKP-related conditions. Algorithms developed to predict the effect of missense changes on protein structure and function are either unavailable or do not agree on the potential impact of this missense change (SIFT: "Deleterious"; PolyPhen-2: "Benign"; Align-GVGD: "Class C0"). In summary, the available evidence is currently insufficient to determine the role of this variant in disease. Therefore, it has been classified as a Variant of Uncertain Significance.

NM_007254.4(PNKP):c.1499A>G (p.Glu500Gly)

Gene: PNKP (polynucleotide kinase 3'-phosphatase; minus strand). Cytogenetic location: 19q13.33.
Variant type: single nucleotide variant.
Coding change: c.1499A>G on transcript NM_007254.4 (MANE Select); coding-DNA position 1499, A replaced by G.
Protein change: p.Glu500Gly; replaces glutamic acid 500 with glycine.
Molecular consequence: missense variant.
Genome position (GRCh38, 1-based): chr19:49,861,315, T>C on the plus strand (A>G on the coding strand, the complement: PNKP is on the minus strand). VCF-style: chr19-49861315-T-C. GRCh37 (hg19) VCF-style: chr19-50364572-T-C.
Other names: c.1499A>G (NM_007254.3); short protein forms E500G.
Identifiers: ClinVar variation 1510591 (VCV001510591.4), dbSNP rs2074753789, ClinGen allele CA406932475.